The following is an entry in ClinVar:

ClinVar aggregate classification (germline): Uncertain significance. Review status: criteria provided, single submitter (1 of 4 stars). 2 submissions from 2 submitters: Uncertain significance (1). 1 of the submissions does not count toward it. Last evaluated 2022-03-17.

Conditions:
Nemaline myopathy 2 (NEM2). Also called: Nemaline myopathy 2, autosomal recessive. Identifiers: MedGen C1850569, MONDO:0009725, OMIM 256030.

Allele frequency attached by ClinVar (database versions not stated): ExAC 0.00001; gnomAD 0.00001 and 0.00003; TOPMed 0.00007.
gnomAD v4.1: 23 of 1,588,954 alleles (0.0014%); highest among the groups gnomAD compares: East Asian, 0.0067%; 1 homozygote.

Submissions (2):

Labcorp Genetics (formerly Invitae), Labcorp
Classification: Uncertain significance for Nemaline myopathy 2. Last evaluated: 2022-03-17. Review status: criteria provided, single submitter. Criteria: Invitae Variant Classification Sherloc (09022015). Collection method: clinical testing. Allele origin: germline.
Comment: This sequence change affects codon 3624 of the NEB mRNA. It is a 'silent' change, meaning that it does not change the encoded amino acid sequence of the NEB protein. It affects a nucleotide within the consensus splice site. This variant is present in population databases (rs781328083, gnomAD 0.01%). This variant has not been reported in the literature in individuals affected with NEB-related conditions. ClinVar contains an entry for this variant (Variation ID: 969476). Algorithms developed to predict the effect of sequence changes on RNA splicing suggest that this variant is not likely to affect RNA splicing. In summary, the available evidence is currently insufficient to determine the role of this variant in disease. Therefore, it has been classified as a Variant of Uncertain Significance.

Natera, Inc.
Classification: Uncertain significance for Nemaline myopathy type 2. Last evaluated: 2020-03-31. Review status: no assertion criteria provided. Collection method: clinical testing. Allele origin: germline. Not counted in ClinVar's aggregate classification.

NM_001164508.2(NEB):c.10872C>T (p.Asp3624=)

Gene: NEB (nebulin; minus strand). Cytogenetic location: 2q23.3.
Variant type: single nucleotide variant.
Coding change: c.10872C>T on transcript NM_001164508.2 (MANE Select); coding-DNA position 10872, C replaced by T.
Protein change: p.Asp3624=; no amino-acid change (aspartic acid 3624 retained).
Molecular consequence: synonymous variant.
Genome position (GRCh38, 1-based): chr2:151,619,451, G>A on the plus strand (C>T on the coding strand, the complement: NEB is on the minus strand). VCF-style: chr2-151619451-G-A. GRCh37 (hg19) VCF-style: chr2-152475965-G-A.
Other names: c.10872C>T, p.Asp3624= (NM_001164507.2, NM_001271208.2); c.10143C>T, p.Asp3381= (NM_004543.5).
Identifiers: ClinVar variation 969476 (VCV000969476.7), dbSNP rs781328083, ClinGen allele CA1908938.